The following is an entry in ClinVar:

NM_004281.4(BAG3):c.479C>T (p.Ala160Val)

Gene: BAG3 (BAG cochaperone 3; plus strand). Cytogenetic location: 10q26.11.
Variant type: single nucleotide variant.
Coding change: c.479C>T on transcript NM_004281.4 (MANE Select); coding-DNA position 479, C replaced by T.
Protein change: p.Ala160Val; replaces alanine 160 with valine.
Molecular consequence: missense variant.
Genome position (GRCh38, 1-based): chr10:119,670,149, C>T. VCF-style: chr10-119670149-C-T. GRCh37 (hg19) VCF-style: chr10-121429661-C-T.
Other names: short protein forms A160V.
Identifiers: ClinVar variation 2120896 (VCV002120896.4), dbSNP rs780046962, ClinGen allele CA5716329.
Genomic context (GRCh38, chr10:119,670,149, plus strand): 5'-GCATGCCAGAAACCACTCAGCCAGATAAACAGTGTGGACAGGTGGCAGCGGCGGCGGCAG[C>T]CCAGCCCCCAGCCTCCCACGGACCTGAGGTAAGGAGAGGCCAGGCTCACCAGCCTGCTGG-3'
Protein context (NP_004272.2, residues 150-170): QCGQVAAAAA[Ala160Val]QPPASHGPER

ClinVar aggregate classification (germline): Uncertain significance (1 of 4 stars; one submission).

Conditions:
Myofibrillar myopathy 6. Identifiers: Orphanet 199340, MedGen C2751831, MONDO:0013061, OMIM 612954.
Dilated cardiomyopathy 1HH (CMD1HH). Identifiers: Orphanet 154, MedGen C3151293, MONDO:0013479, OMIM 613881.

Allele frequency attached by ClinVar (database versions not stated): gnomAD exomes 0.00001; ExAC 0.00002.

Submission:

Labcorp Genetics (formerly Invitae), Labcorp
Classification: Uncertain significance for Dilated cardiomyopathy 1HH; Myofibrillar myopathy 6. Last evaluated: 2022-04-14. Review status: criteria provided, single submitter. Criteria: Invitae Variant Classification Sherloc (09022015). Collection method: clinical testing. Allele origin: germline.
Comment: In summary, the available evidence is currently insufficient to determine the role of this variant in disease. Therefore, it has been classified as a Variant of Uncertain Significance. Algorithms developed to predict the effect of missense changes on protein structure and function (SIFT, PolyPhen-2, Align-GVGD) all suggest that this variant is likely to be tolerated. This variant has not been reported in the literature in individuals affected with BAG3-related conditions. This variant is present in population databases (rs780046962, gnomAD 0.007%). This sequence change replaces alanine, which is neutral and non-polar, with valine, which is neutral and non-polar, at codon 160 of the BAG3 protein (p.Ala160Val).